The following is an entry in ClinVar:

NM_001144950.2(SSC5D):c.2052G>A (p.Pro684=)

Gene: SSC5D (scavenger receptor cysteine rich family member with 5 domains; plus strand). Cytogenetic location: 19q13.42.
Variant type: single nucleotide variant.
Coding change: c.2052G>A on transcript NM_001144950.2 (MANE Select); coding-DNA position 2052, G replaced by A.
Protein change: p.Pro684=; no amino-acid change (proline 684 retained).
Molecular consequence: synonymous variant.
Genome position (GRCh38, 1-based): chr19:55,500,162, G>A. VCF-style: chr19-55500162-G-A. GRCh37 (hg19) VCF-style: chr19-56011529-G-A.
Other names: c.2052G>A, p.Pro684= (NM_001195267.2).
Identifiers: ClinVar variation 2650529 (VCV002650529.24), dbSNP rs1274699954, ClinGen allele CA509207555.

ClinVar aggregate classification (germline): Likely benign (1 of 4 stars; one submission).

Allele frequency attached by ClinVar (database versions not stated): TOPMed below 0.00001; gnomAD 0.00001; gnomAD exomes 0.00001.
gnomAD v4.1: 16 of 1,550,848 alleles (0.001%); highest among the groups gnomAD compares: Admixed American, 0.012%; no homozygotes.

Submission:

CeGaT Center for Human Genetics Tuebingen
Classification: Likely benign. Last evaluated: 2022-11-01. Review status: criteria provided, single submitter. Criteria: CeGaT Center For Human Genetics Tuebingen Variant Classification Criteria Version 2. Collection method: clinical testing. Allele origin: germline. Affected: yes. Observed: 1 variant allele.
Comment: SSC5D: BP4, BP7